The following is an entry in ClinVar:

ClinVar aggregate classification (germline): Uncertain significance. Review status: criteria provided, multiple submitters, no conflicts (2 of 4 stars). 3 submissions from 3 submitters: Uncertain significance (3). Last evaluated 2024-10-08.

Conditions:
Donnai-Barrow syndrome. Also called: DBS/FOAR SYNDROME; FACIOOCULOACOUSTICORENAL SYNDROME. Identifiers: Orphanet 2143, MedGen C1857277, MONDO:0009104, OMIM 222448.

Allele frequency attached by ClinVar (database versions not stated): gnomAD 0.00001; gnomAD exomes 0.00001.
gnomAD v4.1: 29 of 1,612,888 alleles (0.0018%); highest among the groups gnomAD compares: African/African-American, 0.011%; no homozygotes.

Submissions (3):

Labcorp Genetics (formerly Invitae), Labcorp
Classification: Uncertain significance. Last evaluated: 2024-10-08. Review status: criteria provided, single submitter. Criteria: Invitae Variant Classification Sherloc (09022015). Collection method: clinical testing. Allele origin: germline.
Comment: This sequence change replaces threonine, which is neutral and polar, with alanine, which is neutral and non-polar, at codon 520 of the LRP2 protein (p.Thr520Ala). This variant is present in population databases (rs550162440, gnomAD 0.003%). This variant has not been reported in the literature in individuals affected with LRP2-related conditions. ClinVar contains an entry for this variant (Variation ID: 1032217). Invitae Evidence Modeling of protein sequence and biophysical properties (such as structural, functional, and spatial information, amino acid conservation, physicochemical variation, residue mobility, and thermodynamic stability) indicates that this missense variant is not expected to disrupt LRP2 protein function with a negative predictive value of 95%. In summary, the available evidence is currently insufficient to determine the role of this variant in disease. Therefore, it has been classified as a Variant of Uncertain Significance.

Blueprint Genetics
Classification: Uncertain significance. Last evaluated: 2022-09-15. Review status: criteria provided, single submitter. Criteria: ACMG Guidelines, 2015. Collection method: clinical testing. Allele origin: germline.

Baylor Genetics
Classification: Uncertain significance for Donnai-Barrow syndrome. Last evaluated: 2018-09-14. Review status: criteria provided, single submitter. Criteria: ACMG Guidelines, 2015. Collection method: clinical testing. Allele origin: paternal. Affected: yes.
Comment: This variant was determined to be of uncertain significance according to ACMG Guidelines, 2015 [PMID:25741868].

NM_004525.3(LRP2):c.1558A>G (p.Thr520Ala)

Gene: LRP2 (LDL receptor related protein 2; minus strand). Cytogenetic location: 2q31.1.
Variant type: single nucleotide variant.
Coding change: c.1558A>G on transcript NM_004525.3 (MANE Select); coding-DNA position 1558, A replaced by G.
Protein change: p.Thr520Ala; replaces threonine 520 with alanine.
Molecular consequence: missense variant.
Genome position (GRCh38, 1-based): chr2:169,279,379, T>C on the plus strand (A>G on the coding strand, the complement: LRP2 is on the minus strand). VCF-style: chr2-169279379-T-C. GRCh37 (hg19) VCF-style: chr2-170135889-T-C.
Other names: short protein forms T520A.
Identifiers: ClinVar variation 1032217 (VCV001032217.7), dbSNP rs550162440, ClinGen allele CA59929439.
Genomic context (GRCh38, chr2:169,279,379, plus strand): 5'-GGAGAGAGAAAATTCTAAAAATACAGGAATCAATATGTTTTCACATCACTTACCCAACAG[T>C]TGGGTCCACGGCAATTCCTCTAGGATGCCCCAAGTTTTCAGTTATAAGGGTAACCCGATA-3'
Protein context (NP_004516.2, residues 510-530): GHPRGIAVDP[Thr520Ala]VGYLFFSDWE